The following is an entry in ClinVar:

NM_003803.4(MYOM1):c.71G>A (p.Ser24Asn)

Gene: MYOM1 (myomesin 1; minus strand). Cytogenetic location: 18p11.31.
Variant type: single nucleotide variant.
Coding change: c.71G>A on transcript NM_003803.4 (MANE Select); coding-DNA position 71, G replaced by A.
Protein change: p.Ser24Asn; replaces serine 24 with asparagine.
Molecular consequence: missense variant.
Genome position (GRCh38, 1-based): chr18:3,215,153, C>T on the plus strand (G>A on the coding strand, the complement: MYOM1 is on the minus strand). VCF-style: chr18-3215153-C-T. GRCh37 (hg19) VCF-style: chr18-3215151-C-T.
Other names: c.71G>A, p.Ser24Asn (NM_019856.2); short protein forms S24N.
Identifiers: ClinVar variation 5025265 (VCV005025265.1).

ClinVar aggregate classification (germline): Uncertain significance (1 of 4 stars; one submission).

gnomAD v4.1: 1 of 1,613,762 alleles (0.000062%); highest among the groups gnomAD compares: African/African-American, 0.0013%; no homozygotes.

Submission:

Ambry Genetics
Classification: Uncertain significance. Last evaluated: 2026-06-15. Review status: criteria provided, single submitter. Criteria: Ambry Variant Classification Scheme 2023. Collection method: clinical testing. Allele origin: germline.
Comment: The p.S24N variant (also known as c.71G>A), located in coding exon 1 of the MYOM1 gene, results from a G to A substitution at nucleotide position 71. The serine at codon 24 is replaced by asparagine, an amino acid with highly similar properties. This amino acid position is conserved. In addition, this alteration is predicted to be tolerated by in silico analysis. Based on the available evidence, the clinical significance of this variant remains unclear.